The following is an entry in ClinVar:

ClinVar aggregate classification (germline): Pathogenic/Likely pathogenic. Review status: criteria provided, multiple submitters, no conflicts (2 of 4 stars). 5 submissions from 5 submitters: Pathogenic (1); Likely pathogenic (4). Last evaluated 2026-10-02.

Conditions:
Odonto-onycho-dermal dysplasia. Identifiers: Orphanet 2721, MedGen C0796093, MONDO:0009773, OMIM 257980.
Schöpf-Schulz-Passarge syndrome. Also called: SchC6pf-Schulz-Passarge syndrome; ECCRINE TUMORS WITH ECTODERMAL DYSPLASIA; KERATOSIS PALMOPLANTARIS WITH CYSTIC EYELIDS, HYPODONTIA, AND HYPOTRICHOSIS. Identifiers: Orphanet 50944, MedGen C1857069, MONDO:0009145, OMIM 224750.
Tooth agenesis, selective, 4 (STHAG4). Also called: SUCCEDANEOUS TEETH, AGENESIS OF; TOOTH AGENESIS, SELECTIVE, 4, WITH OR WITHOUT ECTODERMAL DYSPLASIA; LATERAL INCISORS, ABSENCE OF; LATERAL INCISORS, PEGGED OR MISSING. Identifiers: Orphanet 99798, MedGen C1835492, MONDO:0007881, OMIM 150400. Disease mechanism: loss of function.

Allele frequency attached by ClinVar (database versions not stated): gnomAD 0.00002 and 0.00001; gnomAD exomes 0.00001; TOPMed 0.00002.
gnomAD v4.1: 41 of 1,596,474 alleles (0.0026%); highest among the groups gnomAD compares: Non-Finnish European, 0.0027%; no homozygotes.

Submissions (5):

Lupski Lab, Baylor-Hopkins CMG, Baylor College of Medicine
Classification: Likely pathogenic for Odonto-onycho-dermal dysplasia. Last evaluated: 2026-10-02. Review status: criteria provided, single submitter. Criteria: ACMG Guidelines, 2015. Collection method: research. Allele origin: maternal, paternal, germline. Inheritance: Autosomal recessive inheritance. Affected: yes and no. Observed: 4 variant alleles, 2 heterozygotes, 2 compound heterozygotes. Clinical features observed: Hyperpigmentation of the skin (HP:0000953), Scaling skin (HP:0040189), Palmar hyperkeratosis (HP:0010765), Plantar hyperkeratosis (HP:0007556), Erythema (HP:0010783), Molluscum contagiosum (HP:0032163), Sparse body hair (HP:0002231), Sparse scalp hair (HP:0002209), Fine hair (HP:0002213), Sparse eyebrow (HP:0045075), Abnormal toenail morphology (HP:0008388), Abnormal fingernail morphology (HP:0001231), and 11 more.
Comment: It has also been reported in trans with a pathogenic variant in three publications (ClinVar ID: 432003) (PM3_Strong= +4pts). This variant is ultra rare in gnomAD with zero homozygous alleles observed (PM2_Supporting= +1pt). According to Varsome, this variant is located within a hotspot of 17 amino acids that has 4 pathogenic and 7 VUS, with no benign variation (PM1_Supporting= +1pt). This variant has an AlphaMissense score of 0.998 (PP3_Strong= +4pts - capped with PM1). 9 pts (PM3 +4, PM2 +1, PM1 and PP3 +4).

Natera, Inc.
Classification: Likely pathogenic for Schopf-Schulz-Passarge syndrome. Last evaluated: 2025-12-05. Review status: criteria provided, single submitter. Criteria: Natera Variant Classification Schema (03/2026). Collection method: clinical testing. Allele origin: germline.
Comment: The c.1084T>C variant in WNT10A is a missense variant predicted to cause substitution of cysteine to arginine at amino acid 362. This variant is rare in the general population with a frequency below the threshold expected for the associated phenotype(s). This variant has been observed in one or more individuals affected with the associated recessive disease, as either homozygous or compound heterozygous with a second variant (PMID: 24902757, 27650966, 28976000). Computational prediction algorithms indicate this variant is likely to affect gene or protein function. Given the available evidence, this variant is classified as Likely Pathogenic.

Labcorp Genetics (formerly Invitae), Labcorp
Classification: Pathogenic for Tooth agenesis, selective, 4; Odonto-onycho-dermal dysplasia. Last evaluated: 2025-12-02. Review status: criteria provided, single submitter. Criteria: Invitae Variant Classification Sherloc (09022015). Collection method: clinical testing. Allele origin: germline.
Comment: This sequence change replaces cysteine, which is neutral and slightly polar, with arginine, which is basic and polar, at codon 362 of the WNT10A protein (p.Cys362Arg). This variant is present in population databases (no rsID available, gnomAD 0.003%). This missense change has been observed in individual(s) with WNT10A-related conditions (PMID: 2897600, 24902757). In at least one individual the data is consistent with being in trans (on the opposite chromosome) from a pathogenic variant. ClinVar contains an entry for this variant (Variation ID: 432003). Invitae Evidence Modeling of protein sequence and biophysical properties (such as structural, functional, and spatial information, amino acid conservation, physicochemical variation, residue mobility, and thermodynamic stability) indicates that this missense variant is expected to disrupt WNT10A protein function with a positive predictive value of 80%. This variant disrupts the p.Cys362 amino acid residue in WNT10A. Other variant(s) that disrupt this residue have been observed in individuals with WNT10A-related conditions (internal data), which suggests that this may be a clinically significant amino acid residue. For these reasons, this variant has been classified as Pathogenic.

GeneDx
Classification: Likely pathogenic. Last evaluated: 2024-08-15. Review status: criteria provided, single submitter. Criteria: GeneDx Variant Classification Process June 2021. Collection method: clinical testing. Allele origin: germline. Affected: yes.
Comment: In silico analysis supports that this missense variant has a deleterious effect on protein structure/function; Not observed at significant frequency in large population cohorts (gnomAD); This variant is associated with the following publications: (PMID: 34228861, 31468502, 28976000, 24902757)

Revvity Omics, Revvity
Classification: Likely pathogenic. Last evaluated: 2019-09-09. Review status: criteria provided, single submitter. Criteria: ACMG Guidelines, 2015. Collection method: clinical testing. Allele origin: germline.

Literature cited by the submitters: PubMed 24902757 (cited by Natera, Inc. and Labcorp Genetics (formerly Invitae), Labcorp); PubMed 27650966 (cited by Natera, Inc.); PubMed 28976000 (cited by Natera, Inc.); PubMed 2897600 (cited by Labcorp Genetics (formerly Invitae), Labcorp).

NM_025216.3(WNT10A):c.1084T>C (p.Cys362Arg)

Gene: WNT10A (Wnt family member 10A; plus strand). Cytogenetic location: 2q35.
Variant type: single nucleotide variant.
Coding change: c.1084T>C on transcript NM_025216.3 (MANE Select); coding-DNA position 1084, T replaced by C.
Protein change: p.Cys362Arg; replaces cysteine 362 with arginine.
Molecular consequence: missense variant.
Genome position (GRCh38, 1-based): chr2:218,893,101, T>C. VCF-style: chr2-218893101-T-C. GRCh37 (hg19) VCF-style: chr2-219757823-T-C.
Other names: short protein forms C362R.
Identifiers: ClinVar variation 432003 (VCV000432003.18), dbSNP rs1268725013, ClinGen allele CA350591255.